The following is an entry in ClinVar:

NM_001267550.2(TTN):c.66215T>G (p.Met22072Arg)

Genes: TTN (titin; minus strand), TTN-AS1 (TTN antisense RNA 1; plus strand). Cytogenetic location: 2q31.2.
Variant type: single nucleotide variant.
Coding change: c.66215T>G on transcript NM_001267550.2 (MANE Select); coding-DNA position 66215, T replaced by G.
Protein change: p.Met22072Arg; replaces methionine 22072 with arginine.
Molecular consequence: missense variant.
Genome position (GRCh38, 1-based): chr2:178,582,154, A>C on the plus strand (T>G on the coding strand, the complement: TTN is on the minus strand). VCF-style: chr2-178582154-A-C. GRCh37 (hg19) VCF-style: chr2-179446881-A-C.
Other names: c.61292T>G, p.Met20431Arg (NM_001256850.1); c.39020T>G, p.Met13007Arg (NM_003319.4); c.58511T>G, p.Met19504Arg (NM_133378.4); c.39395T>G, p.Met13132Arg (NM_133432.3); c.39596T>G, p.Met13199Arg (NM_133437.4); short protein forms M19504R, M22072R, M13132R, M13007R, M13199R, M20431R.
Identifiers: ClinVar variation 191918 (VCV000191918.5), dbSNP rs201420486, ClinGen allele CA237867.
Genomic context (GRCh38, chr2:178,582,154, plus strand): 5'-AGCAAATAGCCAGTGATGGGTGAGCCCCCATCATCTGCTGGTGGCTTCCAGCTGACTGTC[A>C]TGTGATCTTTGGTTATGTTGCTAATAACAGGAGGATCACAGCGTCCTGGTGGGTCTGCAG-3'
Protein context (NP_001254479.2, residues 22062-22082): PVISNITKDH[Met22072Arg]TVSWKPPADD

ClinVar aggregate classification (germline): Uncertain significance. Review status: criteria provided, multiple submitters, no conflicts (2 of 4 stars). 2 submissions from 2 submitters: Uncertain significance (2). Last evaluated 2015-08-18.

Allele frequency attached by ClinVar (database versions not stated): gnomAD exomes below 0.00001 and 0.00001; ExAC 0.00001; TOPMed 0.00001.
gnomAD v4.1: 11 of 1,612,796 alleles (0.00068%); highest among the groups gnomAD compares: Non-Finnish European, 0.00093%; no homozygotes.

Submissions (2):

Eurofins Ntd Llc (ga)
Classification: Uncertain significance. Last evaluated: 2015-08-18. Review status: criteria provided, single submitter. Criteria: EGL Classification Definitions 2015. Collection method: clinical testing. Allele origin: germline. Observed: 1 variant allele, 1 heterozygote.

Biesecker Lab/Clinical Genomics Section, National Institutes of Health
Classification: Uncertain significance. Last evaluated: 2013-06-24. Review status: criteria provided, single submitter. Criteria: Ng et al. (Circ Cardiovasc Genet. 2013). Collection method: research. Allele origin: unknown. Observed: 1 variant allele. Study: ClinSeq.
Comment: The study set was not selected for affection status in relation to any cancer. Pathogenicity categories were based on literature curation. See Pubmed ID:23861362 for details.

Medical sequencing